The following is an entry in ClinVar:

ClinVar aggregate classification (germline): Uncertain significance (1 of 4 stars; one submission).

Allele frequency attached by ClinVar (database versions not stated): ExAC 0.00001.

Submission:

GeneDx
Classification: Uncertain significance. Last evaluated: 2022-03-28. Review status: criteria provided, single submitter. Criteria: GeneDx Variant Classification Process June 2021. Collection method: clinical testing. Allele origin: germline. Affected: yes.
Comment: Not observed at significant frequency in large population cohorts (gnomAD); In silico analysis supports that this missense variant does not alter protein structure/function; Has not been previously published as pathogenic or benign to our knowledge

NM_001365999.1(SZT2):c.5521C>T (p.Pro1841Ser)

Gene: SZT2 (SZT2 subunit of KICSTOR complex; plus strand). Cytogenetic location: 1p34.2.
Variant type: single nucleotide variant.
Coding change: c.5521C>T on transcript NM_001365999.1 (MANE Select); coding-DNA position 5521, C replaced by T.
Protein change: p.Pro1841Ser; replaces proline 1841 with serine.
Molecular consequence: missense variant.
Genome position (GRCh38, 1-based): chr1:43,432,595, C>T. VCF-style: chr1-43432595-C-T. GRCh37 (hg19) VCF-style: chr1-43898266-C-T.
Other names: c.5350C>T, p.Pro1784Ser (NM_015284.4); short protein forms P1784S, P1841S.
Identifiers: ClinVar variation 1707727 (VCV001707727.2), dbSNP rs755377977, ClinGen allele CA809604.